The following is an entry in ClinVar:

NM_002335.4(LRP5):c.4807C>T (p.Leu1603Phe)

Gene: LRP5 (LDL receptor related protein 5; plus strand). Cytogenetic location: 11q13.2.
Variant type: single nucleotide variant.
Coding change: c.4807C>T on transcript NM_002335.4 (MANE Select); coding-DNA position 4807, C replaced by T.
Protein change: p.Leu1603Phe; replaces leucine 1603 with phenylalanine.
Molecular consequence: missense variant.
Genome position (GRCh38, 1-based): chr11:68,449,029, C>T. VCF-style: chr11-68449029-C-T. GRCh37 (hg19) VCF-style: chr11-68216497-C-T.
Other names: c.3064C>T, p.Leu1022Phe (NM_001291902.2); short protein forms L1603F, L1022F.
Identifiers: ClinVar variation 1995672 (VCV001995672.4), dbSNP rs2496957787, ClinGen allele CA381619097.

ClinVar aggregate classification (germline): Uncertain significance (1 of 4 stars; one submission).

Submission:

Labcorp Genetics (formerly Invitae), Labcorp
Classification: Uncertain significance. Last evaluated: 2022-05-20. Review status: criteria provided, single submitter. Criteria: Invitae Variant Classification Sherloc (09022015). Collection method: clinical testing. Allele origin: germline.
Comment: In summary, the available evidence is currently insufficient to determine the role of this variant in disease. Therefore, it has been classified as a Variant of Uncertain Significance. Algorithms developed to predict the effect of missense changes on protein structure and function are either unavailable or do not agree on the potential impact of this missense change (SIFT: "Deleterious"; PolyPhen-2: "Probably Damaging"; Align-GVGD: "Class C0"). This variant has not been reported in the literature in individuals affected with LRP5-related conditions. This variant is not present in population databases (gnomAD no frequency). This sequence change replaces leucine, which is neutral and non-polar, with phenylalanine, which is neutral and non-polar, at codon 1603 of the LRP5 protein (p.Leu1603Phe).